The following is an entry in ClinVar:

ClinVar aggregate classification (germline): Uncertain significance (1 of 4 stars; one submission).

Allele frequency attached by ClinVar (database versions not stated): gnomAD exomes below 0.00001 and 0.00001.

Submission:

GeneDx
Classification: Uncertain significance. Last evaluated: 2017-03-30. Review status: criteria provided, single submitter. Criteria: GeneDx Variant Classification (06012015). Collection method: clinical testing. Allele origin: germline. Affected: yes.
Comment: The S281F variant in the UBA1 gene has not been reported previously as a pathogenic variant, nor as a benign variant, to our knowledge. The S281F variant is not observed in large population cohorts (Lek et al., 2016; 1000 Genomes Consortium et al., 2015; Exome Variant Server). The S281F variant is a non-conservative amino acid substitution, which is likely to impact secondary protein structure as these residues differ in polarity, charge, size and/or other properties. This substitution occurs at a position that is not conserved. In silico analysis predicts this variant is probably damaging to the protein structure/function. We interpret S281F as a variant of uncertain significance.

NM_003334.4(UBA1):c.842C>T (p.Ser281Phe)

Gene: UBA1 (ubiquitin like modifier activating enzyme 1; plus strand). Cytogenetic location: Xp11.3.
Variant type: single nucleotide variant.
Coding change: c.842C>T on transcript NM_003334.4 (MANE Select); coding-DNA position 842, C replaced by T.
Protein change: p.Ser281Phe; replaces serine 281 with phenylalanine.
Molecular consequence: missense variant.
Genome position (GRCh38, 1-based): chrX:47,202,186, C>T. VCF-style: chrX-47202186-C-T. GRCh37 (hg19) VCF-style: chrX-47061585-C-T.
Other names: c.842C>T, p.Ser281Phe (NM_153280.3); short protein forms S281F.
Identifiers: ClinVar variation 426879 (VCV000426879.2), dbSNP rs1085307839, ClinGen allele CA412794565.
Genomic context (GRCh38, chrX:47,202,186, plus strand): 5'-GACTGACAGCTCTCTTCCTGCCCTCTGTAGGTCCTTATACCTTTAGCATCTGTGACACCT[C>T]CAACTTCTCCGACTACATCCGTGGAGGCATCGTCAGTCAGGTCAAAGTACCTAAGAAGAT-3'
Protein context (NP_003325.2, residues 271-291): GPYTFSICDT[Ser281Phe]NFSDYIRGGI